The following is an entry in ClinVar:

NM_003873.7(NRP1):c.2489C>T (p.Thr830Met)

Gene: NRP1 (neuropilin 1; minus strand). Cytogenetic location: 10p11.22.
Variant type: single nucleotide variant.
Coding change: c.2489C>T on transcript NM_003873.7 (MANE Select); coding-DNA position 2489, C replaced by T.
Protein change: p.Thr830Met; replaces threonine 830 with methionine.
Molecular consequence: missense variant. On other transcripts: non-coding transcript variant (1).
Genome position (GRCh38, 1-based): chr10:33,180,359, G>A on the plus strand (C>T on the coding strand, the complement: NRP1 is on the minus strand). VCF-style: chr10-33180359-G-A. GRCh37 (hg19) VCF-style: chr10-33469287-G-A.
Other names: c.2471C>T, p.Thr824Met (NM_001244972.2); c.2468C>T, p.Thr823Met (NM_001244973.2); c.2438C>T, p.Thr813Met (NM_001330068.2); short protein forms T830M, T813M, T823M, T824M.
Identifiers: ClinVar variation 4988926 (VCV004988926.1).

ClinVar aggregate classification (germline): Uncertain significance (1 of 4 stars; one submission).

Conditions:
NRP1-related disorder. Also called: NRP1-related condition.

gnomAD v4.1: 11 of 1,589,590 alleles (0.00069%); highest among the groups gnomAD compares: East Asian, 0.0045%; no homozygotes.

Submission:

PreventionGenetics, part of Exact Sciences
Classification: Uncertain significance for NRP1-related condition. Last evaluated: 2026-04-28. Review status: criteria provided, single submitter. Criteria: ACMG Guidelines, 2015. Collection method: clinical testing. Allele origin: germline.
Comment: The NRP1 c.2489C>T variant is predicted to result in the amino acid substitution p.Thr830Met. To our knowledge, this variant has not been reported in the literature. This variant is reported in 0.0056% of alleles in individuals of East Asian descent in gnomAD. At this time, the clinical significance of this variant is uncertain due to the absence of conclusive functional and genetic evidence.